The following is an entry in ClinVar:

NM_001378778.1(MPDZ):c.3938C>T (p.Thr1313Ile)

Gene: MPDZ (multiple PDZ domain crumbs cell polarity complex component; minus strand). Cytogenetic location: 9p23.
Variant type: single nucleotide variant.
Coding change: c.3938C>T on transcript NM_001378778.1 (MANE Select); coding-DNA position 3938, C replaced by T.
Protein change: p.Thr1313Ile; replaces threonine 1313 with isoleucine.
Molecular consequence: missense variant.
Genome position (GRCh38, 1-based): chr9:13,140,052, G>A on the plus strand (C>T on the coding strand, the complement: MPDZ is on the minus strand). VCF-style: chr9-13140052-G-A. GRCh37 (hg19) VCF-style: chr9-13140051-G-A.
Other names: c.3839C>T, p.Thr1280Ile (NM_001261406.2, NM_001261407.2, NM_001375416.1 and 3 more transcripts); c.3938C>T, p.Thr1313Ile (NM_001330637.2, NM_001375413.1, NM_003829.5); c.3728C>T, p.Thr1243Ile (NM_001375420.1, NM_001375421.1, NM_001375422.1 and 4 more transcripts); c.3530C>T, p.Thr1177Ile (NM_001375427.1); c.3938C>T (NM_003829.3); short protein forms T1177I, T1243I, T1280I, T1313I.
Identifiers: ClinVar variation 1059271 (VCV001059271.9), dbSNP rs920614298, ClinGen allele CA189300460.

ClinVar aggregate classification (germline): Uncertain significance. Review status: criteria provided, multiple submitters, no conflicts (2 of 4 stars). 2 submissions from 2 submitters: Uncertain significance (2). Last evaluated 2025-05-28.

Conditions:
Inborn genetic diseases. Identifiers: MedGen C0950123, MeSH D030342.

Allele frequency attached by ClinVar (database versions not stated): gnomAD exomes 0.00002 and 0.00001; gnomAD 0.00005 and 0.00006.
gnomAD v4.1: 16 of 1,613,138 alleles (0.00099%); highest among the groups gnomAD compares: African/African-American, 0.013%; no homozygotes.

Submissions (2):

Ambry Genetics
Classification: Uncertain significance for Inborn genetic diseases. Last evaluated: 2025-05-28. Review status: criteria provided, single submitter. Criteria: Ambry Variant Classification Scheme 2023. Collection method: clinical testing. Allele origin: germline.

Labcorp Genetics (formerly Invitae), Labcorp
Classification: Uncertain significance. Last evaluated: 2020-10-14. Review status: criteria provided, single submitter. Criteria: Invitae Variant Classification Sherloc (09022015). Collection method: clinical testing. Allele origin: germline.
Comment: In summary, the available evidence is currently insufficient to determine the role of this variant in disease. Therefore, it has been classified as a Variant of Uncertain Significance. Algorithms developed to predict the effect of missense changes on protein structure and function (SIFT, PolyPhen-2, Align-GVGD) all suggest that this variant is likely to be tolerated, but these predictions have not been confirmed by published functional studies and their clinical significance is uncertain. This variant has been observed in individual(s) with autosomal dominant inherited retinal dystrophy (Invitae). This variant is not present in population databases (ExAC no frequency). This sequence change replaces threonine with isoleucine at codon 1313 of the MPDZ protein (p.Thr1313Ile). The threonine residue is weakly conserved and there is a moderate physicochemical difference between threonine and isoleucine.